The following is an entry in ClinVar:

ClinVar aggregate classification (germline): Uncertain significance (1 of 4 stars; one submission).

Conditions:
Early-infantile DEE. Also called: Early infantile epileptic encephalopathy; Early infantile epileptic encephalopathy with suppression bursts; Ohtahara syndrome. Identifiers: Orphanet 1934, MedGen C0393706, MONDO:0800491.

Submission:

Labcorp Genetics (formerly Invitae), Labcorp
Classification: Uncertain significance for Early-infantile DEE. Last evaluated: 2023-06-22. Review status: criteria provided, single submitter. Criteria: Invitae Variant Classification Sherloc (09022015). Collection method: clinical testing. Allele origin: germline.
Comment: This sequence change replaces methionine, which is neutral and non-polar, with threonine, which is neutral and polar, at codon 830 of the SCN8A protein (p.Met830Thr). This variant is not present in population databases (gnomAD no frequency). This variant has not been reported in the literature in individuals affected with SCN8A-related conditions. Advanced modeling of protein sequence and biophysical properties (such as structural, functional, and spatial information, amino acid conservation, physicochemical variation, residue mobility, and thermodynamic stability) has been performed at Invitae for this missense variant, however the output from this modeling did not meet the statistical confidence thresholds required to predict the impact of this variant on SCN8A protein function. In summary, the available evidence is currently insufficient to determine the role of this variant in disease. Therefore, it has been classified as a Variant of Uncertain Significance.

NM_001330260.2(SCN8A):c.2489T>C (p.Met830Thr)

Gene: SCN8A (sodium voltage-gated channel alpha subunit 8; plus strand). Cytogenetic location: 12q13.13.
Variant type: single nucleotide variant.
Coding change: c.2489T>C on transcript NM_001330260.2 (MANE Select); coding-DNA position 2489, T replaced by C.
Protein change: p.Met830Thr; replaces methionine 830 with threonine.
Molecular consequence: missense variant.
Genome position (GRCh38, 1-based): chr12:51,762,621, T>C. VCF-style: chr12-51762621-T-C. GRCh37 (hg19) VCF-style: chr12-52156405-T-C.
Other names: c.2489T>C, p.Met830Thr (NM_001177984.3, NM_001369788.1, NM_014191.4); short protein forms M830T.
Identifiers: ClinVar variation 2813586 (VCV002813586.3), dbSNP rs2540254082, ClinGen allele CA384884385.
Genomic context (GRCh38, chr12:51,762,621, plus strand): 5'-ACTATTATTTCCAAGAAGGTTGGAACATTTTTGACGGATTTATTGTCTCCCTCAGTTTAA[T>C]GGAACTGAGTCTAGCAGACGTGGAGGGGCTTTCAGTGCTGCGATCTTTCCGATTGGTATT-3'
Protein context (NP_001317189.1, residues 820-840): FDGFIVSLSL[Met830Thr]ELSLADVEGL